The following is an entry in ClinVar:

ClinVar aggregate classification (germline): Benign (1 of 4 stars; one submission).

Conditions:
Lynch syndrome 4 (LYNCH4). Also called: Colorectal cancer, hereditary nonpolyposis, type 4; Hereditary non-polyposis colorectal cancer, type 4. Identifiers: Orphanet 144, MedGen C1838333, MONDO:0013699, OMIM 614337. Disease mechanism: loss of function.

Submission:

Myriad Genetics, Inc.
Classification: Benign for Lynch syndrome 4. Last evaluated: 2025-01-28. Review status: criteria provided, single submitter. Criteria: Myriad Autosomal Dominant, Autosomal Recessive and X-Linked Classification Criteria (2023). Collection method: clinical testing. Allele origin: unknown.
Comment: This variant is considered benign. This variant is intronic and is not expected to impact mRNA splicing.

NM_000535.7(PMS2):c.804-53T>A

Gene: PMS2 (PMS1 homolog 2, mismatch repair system component; minus strand). Cytogenetic location: 7p22.1.
Variant type: single nucleotide variant.
Coding change: c.804-53T>A on transcript NM_000535.7 (MANE Select); 53 bases into the intron before coding-DNA position 804, T replaced by A.
Molecular consequence: intron variant.
Genome position (GRCh38, 1-based): chr7:5,995,686, A>T on the plus strand (T>A on the coding strand, the complement: PMS2 is on the minus strand). VCF-style: chr7-5995686-A-T. GRCh37 (hg19) VCF-style: chr7-6035317-A-T.
Other names: c.486-53T>A (NM_001322008.2, NM_001406902.1, NM_001406883.1 and 4 more transcripts); c.495-53T>A (NM_001406881.1, NM_001406879.1, NM_001322015.2 and 6 more transcripts); c.399-53T>A (NM_001406895.1, NM_001322010.2, NM_001322004.2 and 19 more transcripts); c.133-3629T>A (NM_001406911.1); c.291-53T>A (NM_001406904.1, NM_001406905.1); c.231-53T>A (NM_001322013.2, NM_001406909.1); c.-130-53T>A (NM_001322012.2, NM_001322011.2); c.468-53T>A (NM_001406885.1); and 8 more.
Identifiers: ClinVar variation 3903628 (VCV003903628.1).